The following is an entry in ClinVar:

NM_000466.3(PEX1):c.803C>G (p.Thr268Ser)

Gene: PEX1 (peroxisomal biogenesis factor 1; minus strand). Cytogenetic location: 7q21.2.
Variant type: single nucleotide variant.
Coding change: c.803C>G on transcript NM_000466.3 (MANE Select); coding-DNA position 803, C replaced by G.
Protein change: p.Thr268Ser; replaces threonine 268 with serine.
Molecular consequence: missense variant.
Genome position (GRCh38, 1-based): chr7:92,517,712, G>C on the plus strand (C>G on the coding strand, the complement: PEX1 is on the minus strand). VCF-style: chr7-92517712-G-C. GRCh37 (hg19) VCF-style: chr7-92147026-G-C.
Other names: p.Thr268Ser; c.803C>G, p.Thr268Ser (NM_001282677.2); c.179C>G, p.Thr60Ser (NM_001282678.2); c.803C>G (NM_000466.2); short protein forms T268S, T60S.
Identifiers: ClinVar variation 1017669 (VCV001017669.16), dbSNP rs780119112, ClinGen allele CA4341536.
Genomic context (GRCh38, chr7:92,517,712, plus strand): 5'-CTGAAAATATTGTCTAGAGGAACAACCTTTGACTGCATATTTTTGAATGCATTGATTTCA[G>C]TTAAACCCCAAGATGTCTCTTGTTTCTTCTCAGATTGAAAGGAAAAAATGCTTCCTATCA-3'
Protein context (NP_000457.1, residues 258-278): EKKQETSWGL[Thr268Ser]EINAFKNMQS

ClinVar aggregate classification (germline): Conflicting classifications of pathogenicity. Review status: criteria provided, conflicting classifications (1 of 4 stars). 6 submissions from 6 submitters: Uncertain significance (4); Likely benign (1). 1 of the submissions does not count toward it. Last evaluated 2026-08-27.

Conditions:
Peroxisome biogenesis disorder 1B (PBD1B). Also called: Refsum disease, infantile form; Infantile Refsum disease; Infantile form of phytanic acid storage disease; PEROXISOME BIOGENESIS DISORDER (NEONATAL ADRENOLEUKODYSTROPHY/INFANTILE REFSUM DISEASE); INFANTILE PHYTANIC ACID STORAGE DISEASE; PEROXISOME BIOGENESIS DISORDER (NALD/IRD). Identifiers: Orphanet 44, MedGen C0282527, MONDO:0011101, OMIM 601539.
Heimler syndrome 1 (HMLR1). Also called: PEROXISOME BIOGENESIS DISORDER 1C. Identifiers: Orphanet 3220, MedGen C4551980, OMIM 234580, MONDO:0024544.
Peroxisome biogenesis disorder 1A (Zellweger) (PBD1A). Also called: Zellweger leukodystrophy; Peroxisome biogenesis disorder 1a. Identifiers: MedGen C4721541, MONDO:0008953, OMIM 214100.
Inborn genetic diseases. Identifiers: MedGen C0950123, MeSH D030342.
PEX1-related disorder. Also called: PEX1-related condition.
Zellweger spectrum disorders (ZS). Also called: Zellweger syndrome; Zellweger Spectrum Disorder; Zellweger Spectrum; Zellweger Spectrum Disorder (ZSD). Identifiers: Orphanet 912, MedGen C0043459, MONDO:0019609.

Allele frequency attached by ClinVar (database versions not stated): ExAC 0.00003; TOPMed 0.00001; gnomAD 0.00001; gnomAD exomes 0.00003 and below 0.00001.
gnomAD v4.1: 14 of 1,612,792 alleles (0.00087%); highest among the groups gnomAD compares: East Asian, 0.011%; no homozygotes.

Submissions (6):

Ambry Genetics
Classification: Uncertain significance for Inborn genetic diseases. Last evaluated: 2026-08-27. Review status: criteria provided, single submitter. Criteria: Ambry Variant Classification Scheme 2023. Collection method: clinical testing. Allele origin: germline.
Comment: The c.803C>G (p.T268S) alteration is located in exon 5 (coding exon 5) of the PEX1 gene. This alteration results from a C to G substitution at nucleotide position 803, causing the threonine (T) at amino acid position 268 to be replaced by a serine (S). Based on data from gnomAD, the G allele has an overall frequency of 0.003% (8/250304) total alleles studied. The highest observed frequency was 0.033% (6/18392) of East Asian alleles. Based on insufficient or conflicting evidence, the clinical significance of this alteration remains unclear.

PreventionGenetics, part of Exact Sciences
Classification: Uncertain significance for PEX1-related condition. Last evaluated: 2026-07-27. Review status: criteria provided, single submitter. Criteria: ACMG Guidelines, 2015. Collection method: clinical testing. Allele origin: germline.
Comment: The PEX1 c.803C>G variant is predicted to result in the amino acid substitution p.Thr268Ser. To our knowledge, this variant has not been reported in the literature. This variant is reported in 0.033% of alleles in individuals of East Asian descent in gnomAD. At this time, the clinical significance of this variant is uncertain due to the absence of conclusive functional and genetic evidence.

Labcorp Genetics (formerly Invitae), Labcorp
Classification: Likely benign for Zellweger spectrum disorders. Last evaluated: 2026-02-02. Review status: criteria provided, single submitter. Criteria: Invitae Variant Classification Sherloc (09022015). Collection method: clinical testing. Allele origin: germline.

Mayo Clinic Laboratories, Mayo Clinic
Classification: Uncertain significance. Last evaluated: 2024-12-04. Review status: criteria provided, single submitter. Criteria: ACMG Guidelines, 2015. Collection method: clinical testing. Allele origin: germline. Observed: 1 variant allele.
Comment: BP4_moderate

Department of Pathology and Laboratory Medicine, Sinai Health System
Classification: Uncertain significance for Peroxisome biogenesis disorder 1A (Zellweger); Heimler syndrome 1; Peroxisome biogenesis disorder 1B. Last evaluated: 2023-02-15. Review status: criteria provided, single submitter. Criteria: ACMG Guidelines, 2015. Collection method: research. Allele origin: germline.

Natera, Inc.
Classification: Uncertain significance for Zellweger syndrome. Last evaluated: 2017-10-18. Review status: no assertion criteria provided. Collection method: clinical testing. Allele origin: germline. Not counted in ClinVar's aggregate classification.